The following is an entry in ClinVar:

NM_000287.4(PEX6):c.406delinsAT (p.Pro136fs)

Gene: PEX6 (peroxisomal biogenesis factor 6; minus strand). Cytogenetic location: 6p21.1.
Variant type: Indel.
Coding change: c.406delinsAT on transcript NM_000287.4 (MANE Select); coding-DNA position 406, C replaced by AT.
Protein change: p.Pro136fs; shifts the reading frame from proline 136.
Molecular consequence: frameshift variant. On other transcripts: non-coding transcript variant (1).
Genome position (GRCh38, 1-based): chr6:42,978,745, G replaced by AT on the plus strand (C replaced by AT on the coding strand, the reverse complement: PEX6 is on the minus strand). VCF-style: chr6-42978745-G-AT. GRCh37 (hg19) VCF-style: chr6-42946483-G-AT.
Other names: c.406delinsAT, p.Pro136fs (NM_001316313.2); short protein forms P136fs.
Identifiers: ClinVar variation 557579 (VCV000557579.4), dbSNP rs1554128488, ClinGen allele CA658821902.

ClinVar aggregate classification (germline): Likely pathogenic. Review status: criteria provided, multiple submitters, no conflicts (2 of 4 stars). 3 submissions from 3 submitters: Likely pathogenic (2). 1 of the submissions does not count toward it. Last evaluated 2024-04-17.

Conditions:
Zellweger spectrum disorders (ZS). Also called: Zellweger Spectrum Disorder; Zellweger Spectrum; Zellweger syndrome; Zellweger Spectrum Disorder (ZSD). Identifiers: Orphanet 912, MedGen C0043459, MONDO:0019609.
Heimler syndrome 2 (HMLR2). Also called: PEROXISOME BIOGENESIS DISORDER 4C. Identifiers: Orphanet 3220, MedGen C4225267, OMIM 616617, MONDO:0014709.
Peroxisome biogenesis disorder 4A (Zellweger) (PBD4A). Also called: Zellweger syndrome spectrum (PEX6-related). Identifiers: Orphanet 912, MedGen C3553936, MONDO:0013930, OMIM 614862. Disease mechanism: loss of function.
Peroxisome biogenesis disorder 4B (PBD4B). Also called: SPINOCEREBELLAR ATAXIA WITH BLINDNESS AND DEAFNESS 1. Identifiers: Orphanet 44, Orphanet 95433, MedGen C3553937, MONDO:0013931, OMIM 614863.

Submissions (3):

Natera, Inc.
Classification: Likely pathogenic for Zellweger syndrome. Last evaluated: 2024-04-17. Review status: criteria provided, single submitter. Criteria: Natera Variant Classification Schema (03/2026). Collection method: clinical testing. Allele origin: germline.
Comment: The c.406delCinsAT variant in PEX6 is a frameshift variant predicted to shift the reading frame beginning at codon 136 and leads to a stop codon 24 codons downstream. This variant is expected to result in nonsense mediated decay, truncation, or a dysfunctional protein product. This variant is rare in the general population with a frequency below the threshold expected for the associated phenotype(s). Given the available evidence, this variant is classified as Likely Pathogenic.

Baylor Genetics
Classification: Likely pathogenic for Heimler syndrome 2. Last evaluated: 2022-07-09. Review status: criteria provided, single submitter. Criteria: ACMG Guidelines, 2015. Collection method: clinical testing. Allele origin: unknown.

Counsyl
Classification: Likely pathogenic for Peroxisome biogenesis disorder 4A (Zellweger); Peroxisome biogenesis disorder 4B. Last evaluated: 2018-04-04. Review status: no assertion criteria provided. Collection method: clinical testing. Allele origin: unknown. Not counted in ClinVar's aggregate classification.